The following is an entry in ClinVar:

ClinVar aggregate classification (germline): Uncertain significance. Review status: criteria provided, multiple submitters, no conflicts (2 of 4 stars). 2 submissions from 2 submitters: Uncertain significance (2). Last evaluated 2025-12-22.

Conditions:
Inborn genetic diseases. Identifiers: MedGen C0950123, MeSH D030342.
Monocytopenia with susceptibility to infections. Also called: MONOCYTOPENIA AND MYCOBACTERIAL INFECTION SYNDROME; MONOCYTOPENIA WITH SUSCEPTIBILITY TO MYCOBACTERIAL, FUNGAL, AND PAPILLOMAVIRUS INFECTIONS AND MYELODYSPLASIA; COMBINED IMMUNODEFICIENCY WITH SUSCEPTIBILITY TO MYCOBACTERIAL, VIRAL, AND FUNGAL INFECTIONS; Dendritic cell, monocyte, B lymphocyte, and natural killer lymphocyte deficiency; GATA2 DEFICIENCY; IMMUNODEFICIENCY 21. Identifiers: Orphanet 228423, MedGen C3280030, MONDO:0013607, OMIM 614172.
Deafness-lymphedema-leukemia syndrome. Also called: Lymphedema, primary, with myelodysplasia; Emberger syndrome. Identifiers: Orphanet 3226, MedGen C3279664, MONDO:0013540, OMIM 614038.

Submissions (2):

Ambry Genetics
Classification: Uncertain significance for Inborn genetic diseases. Last evaluated: 2025-12-22. Review status: criteria provided, single submitter. Criteria: Ambry Variant Classification Scheme 2023. Collection method: clinical testing. Allele origin: germline.
Comment: The p.A300T variant (also known as c.898G>A), located in coding exon 3 of the GATA2 gene, results from a G to A substitution at nucleotide position 898. The alanine at codon 300 is replaced by threonine, an amino acid with similar properties. This amino acid position is conserved. In addition, this alteration is predicted to be deleterious by in silico analysis. Based on the available evidence, the clinical significance of this variant remains unclear.

Labcorp Genetics (formerly Invitae), Labcorp
Classification: Uncertain significance for Monocytopenia with susceptibility to infections; Deafness-lymphedema-leukemia syndrome. Last evaluated: 2022-05-30. Review status: criteria provided, single submitter. Criteria: Invitae Variant Classification Sherloc (09022015). Collection method: clinical testing. Allele origin: germline.
Comment: This sequence change replaces alanine, which is neutral and non-polar, with threonine, which is neutral and polar, at codon 300 of the GATA2 protein (p.Ala300Thr). This variant is not present in population databases (gnomAD no frequency). This variant has not been reported in the literature in individuals affected with GATA2-related conditions. Advanced modeling of protein sequence and biophysical properties (such as structural, functional, and spatial information, amino acid conservation, physicochemical variation, residue mobility, and thermodynamic stability) performed at Invitae indicates that this missense variant is expected to disrupt GATA2 protein function. In summary, the available evidence is currently insufficient to determine the role of this variant in disease. Therefore, it has been classified as a Variant of Uncertain Significance.

NM_032638.5(GATA2):c.898G>A (p.Ala300Thr)

Gene: GATA2 (GATA binding protein 2; minus strand). Cytogenetic location: 3q21.3.
Variant type: single nucleotide variant.
Coding change: c.898G>A on transcript NM_032638.5 (MANE Select); coding-DNA position 898, G replaced by A.
Protein change: p.Ala300Thr; replaces alanine 300 with threonine.
Molecular consequence: missense variant.
Genome position (GRCh38, 1-based): chr3:128,483,979, C>T on the plus strand (G>A on the coding strand, the complement: GATA2 is on the minus strand). VCF-style: chr3-128483979-C-T. GRCh37 (hg19) VCF-style: chr3-128202822-C-T.
Other names: c.898G>A, p.Ala300Thr (NM_001145661.2, NM_001145662.1); short protein forms A300T.
Identifiers: ClinVar variation 2167124 (VCV002167124.5), dbSNP rs2472925165, ClinGen allele CA354404843.
Genomic context (GRCh38, chr3:128,483,979, plus strand): 5'-CACAGGCATTGCACAGGTAGTGGCCGGTGCCGTCCCGCCGCCAGAGAGGGGTGGCTGTGG[C>T]CCCACAGTTGACACACTCCCGGCCTTCTGCAGGGGAACAGGGAGAGACACGGGGGCCTGC-3'
Protein context (NP_116027.2, residues 290-310): SEGRECVNCG[Ala300Thr]TATPLWRRDG